The following is an entry in ClinVar:

ClinVar aggregate classification (germline): Uncertain significance. Review status: criteria provided, multiple submitters, no conflicts (2 of 4 stars). 3 submissions from 3 submitters: Uncertain significance (3). Last evaluated 2025-05-30.

Conditions:
Inborn genetic diseases. Identifiers: MedGen C0950123, MeSH D030342.
Glycogen storage disease, type V (GSD5). Also called: MCARDLE DISEASE; MUSCLE GLYCOGEN PHOSPHORYLASE DEFICIENCY; MYOPHOSPHORYLASE DEFICIENCY; PYGM DEFICIENCY; McArdle type glycogen storage disease. Identifiers: Orphanet 368, MedGen C0017924, MONDO:0009293, OMIM 232600.

Allele frequency attached by ClinVar (database versions not stated): gnomAD exomes 0.00003 and 0.00012; ExAC 0.00004; TOPMed 0.00004; gnomAD 0.00005 and 0.00006.

Submissions (3):

Ambry Genetics
Classification: Uncertain significance for Inborn genetic diseases. Last evaluated: 2025-05-30. Review status: criteria provided, single submitter. Criteria: Ambry Variant Classification Scheme 2023. Collection method: clinical testing. Allele origin: germline.

Labcorp Genetics (formerly Invitae), Labcorp
Classification: Uncertain significance for Glycogen storage disease, type V. Last evaluated: 2022-06-28. Review status: criteria provided, single submitter. Criteria: Invitae Variant Classification Sherloc (09022015). Collection method: clinical testing. Allele origin: germline.
Comment: This sequence change replaces glycine, which is neutral and non-polar, with valine, which is neutral and non-polar, at codon 638 of the PYGM protein (p.Gly638Val). This variant is present in population databases (rs776881451, gnomAD 0.008%). This variant has not been reported in the literature in individuals affected with PYGM-related conditions. ClinVar contains an entry for this variant (Variation ID: 1176287). Algorithms developed to predict the effect of missense changes on protein structure and function are either unavailable or do not agree on the potential impact of this missense change (SIFT: "Not Available"; PolyPhen-2: "Probably Damaging"; Align-GVGD: "Not Available"). In summary, the available evidence is currently insufficient to determine the role of this variant in disease. Therefore, it has been classified as a Variant of Uncertain Significance.

CeGaT Center for Human Genetics Tuebingen
Classification: Uncertain significance. Last evaluated: 2021-02-01. Review status: criteria provided, single submitter. Criteria: CeGaT Center For Human Genetics Tuebingen Variant Classification Criteria Version 2. Collection method: clinical testing. Allele origin: germline. Affected: yes. Observed: 1 variant allele.

NM_005609.4(PYGM):c.1913G>T (p.Gly638Val)

Gene: PYGM (glycogen phosphorylase, muscle associated; minus strand). Cytogenetic location: 11q13.1.
Variant type: single nucleotide variant.
Coding change: c.1913G>T on transcript NM_005609.4 (MANE Select); coding-DNA position 1913, G replaced by T.
Protein change: p.Gly638Val; replaces glycine 638 with valine.
Molecular consequence: missense variant.
Genome position (GRCh38, 1-based): chr11:64,751,381, C>A on the plus strand (G>T on the coding strand, the complement: PYGM is on the minus strand). VCF-style: chr11-64751381-C-A. GRCh37 (hg19) VCF-style: chr11-64518853-C-A.
Other names: c.1649G>T, p.Gly550Val (NM_001164716.1); c.1913G>T (NM_005609.2); short protein forms G550V, G638V.
Identifiers: ClinVar variation 1176287 (VCV001176287.37), dbSNP rs776881451, ClinGen allele CA6079678.
Genomic context (GRCh38, chr11:64,751,381, plus strand): 5'-CCACCTTTCTCGGCCAGTGAGACTCGGTAGTTCTCCAGGAAGATGACACGGAGGCGGTCA[C>A]CCACTGCCGGGTCATGGTTGACCACATCCCCGATGGCTGTGACGAGTCTGATGATCATCT-3'
Protein context (NP_005600.1, residues 628-648): GDVVNHDPAV[Gly638Val]DRLRVIFLEN